The following is an entry in ClinVar:

NM_000751.3(CHRND):c.1345_1346del (p.Met449fs)

Gene: CHRND (cholinergic receptor nicotinic delta subunit; plus strand). Cytogenetic location: 2q37.1.
Variant type: Deletion.
Coding change: c.1345_1346del on transcript NM_000751.3 (MANE Select); coding-DNA positions 1345 to 1346, 2 bases deleted (AT; older notation c.1345_1346delAT).
Protein change: p.Met449fs; shifts the reading frame from methionine 449.
Molecular consequence: frameshift variant.
Genome position (GRCh38, 1-based): chr2:232,534,316-232,534,317, AT deleted. VCF-style (leftmost placement, unchanged base first): chr2-232534315-CAT-C. GRCh37 (hg19) VCF-style: chr2-233399025-CAT-C.
Other names: c.1300_1301del, p.Met434fs (NM_001256657.2); c.763_764del, p.Met255fs (NM_001311195.2); c.1042_1043del, p.Met348fs (NM_001311196.2); c.1345_1346delAT (NM_000751.2); short protein forms M255fs, M449fs, M348fs, M434fs.
Identifiers: ClinVar variation 524112 (VCV000524112.10), dbSNP rs1553575435, ClinGen allele CA658796206.

ClinVar aggregate classification (germline): Conflicting classifications of pathogenicity. Review status: criteria provided, conflicting classifications (1 of 4 stars). 2 submissions from 2 submitters: Likely pathogenic (1); Uncertain significance (1). Last evaluated 2022-06-04.

Conditions:
Lethal multiple pterygium syndrome (LMPS). Identifiers: Orphanet 33108, MedGen C1854678, MONDO:0009668, OMIM 253290.

Submissions (2):

Labcorp Genetics (formerly Invitae), Labcorp
Classification: Uncertain significance for Lethal multiple pterygium syndrome. Last evaluated: 2022-06-04. Review status: criteria provided, single submitter. Criteria: Invitae Variant Classification Sherloc (09022015). Collection method: clinical testing. Allele origin: germline.
Comment: In summary, the available evidence is currently insufficient to determine the role of this variant in disease. Therefore, it has been classified as a Variant of Uncertain Significance. This variant disrupts the C-terminus of the CHRND protein. Other variant(s) that disrupt this region (p.Arg464*) have been observed in individuals with CHRND-related conditions (PMID: 18252226). This suggests that this may be a clinically significant region of the protein. Experimental studies and prediction algorithms are not available or were not evaluated, and the functional significance of this variant is currently unknown. ClinVar contains an entry for this variant (Variation ID: 524112). This variant has not been reported in the literature in individuals affected with CHRND-related conditions. This variant is not present in population databases (gnomAD no frequency). This sequence change creates a premature translational stop signal (p.Met449Glufs*8) in the CHRND gene. While this is not anticipated to result in nonsense mediated decay, it is expected to disrupt the last 69 amino acid(s) of the CHRND protein.

GeneDx
Classification: Likely pathogenic. Last evaluated: 2021-07-06. Review status: criteria provided, single submitter. Criteria: GeneDx Variant Classification Process June 2021. Collection method: clinical testing. Allele origin: germline. Affected: yes.
Comment: Frameshift variant predicted to result in protein truncation, as the last 69 amino acids are replaced with 7 different amino acids, and other loss-of-function variants have been reported downstream in the Human Gene Mutation Database (Stenson et al., 2014); Not observed at significant frequency in large population cohorts (Lek et al., 2016); Has not been previously published as pathogenic or benign to our knowledge; This variant is associated with the following publications: (PMID: 24077912, 27535533)

Literature cited by the submitters: PubMed 18252226 (cited by Labcorp Genetics (formerly Invitae), Labcorp).